The following is an entry in ClinVar:

NM_000051.4(ATM):c.2606C>G (p.Ala869Gly)

Gene: ATM (ATM serine/threonine kinase; plus strand). Cytogenetic location: 11q22.3.
Variant type: single nucleotide variant.
Coding change: c.2606C>G on transcript NM_000051.4 (MANE Select); coding-DNA position 2606, C replaced by G.
Protein change: p.Ala869Gly; replaces alanine 869 with glycine.
Molecular consequence: missense variant.
Genome position (GRCh38, 1-based): chr11:108,267,310, C>G. VCF-style: chr11-108267310-C-G. GRCh37 (hg19) VCF-style: chr11-108138037-C-G.
Other names: NP_000042.3:p.Ala869Gly; c.2606C>G, p.Ala869Gly (NM_001351834.2); short protein forms A869G.
Identifiers: ClinVar variation 184982 (VCV000184982.48), dbSNP rs145513717, ClinGen allele CA190672.

ClinVar aggregate classification (germline): Conflicting classifications of pathogenicity. Review status: criteria provided, conflicting classifications (1 of 4 stars). 16 submissions from 16 submitters: Uncertain significance (10); Likely benign (5). 1 of the submissions does not count toward it. Last evaluated 2026-10-01.

Conditions:
Hereditary cancer-predisposing syndrome. Also called: Hereditary neoplastic syndrome; Tumor predisposition; Neoplastic Syndromes, Hereditary; Hereditary Cancer Syndrome. Identifiers: Orphanet 140162, MedGen C0027672, MeSH D009386, MONDO:0015356.
Hereditary breast ovarian cancer syndrome. Also called: Breast and ovarian cancer; Hereditary breast and/or ovarian cancer syndrome; BRCA1- and BRCA2-Associated Hereditary Breast and Ovarian Cancer; Hereditary breast and ovarian cancer; Hereditary breast and ovarian cancer syndrome; Hereditary breast and ovarian cancer syndrome (HBOC). Identifiers: Orphanet 145, MedGen C0677776, MeSH D061325, MONDO:0003582. Disease mechanism: loss of function.
Familial cancer of breast. Also called: hereditary breast carcinoma; Hereditary breast cancer; BREAST CANCER, FAMILIAL. Identifiers: Orphanet 227535, MedGen C0346153, MONDO:0016419, OMIM 114480. Disease mechanism: loss of function.
Ataxia-telangiectasia syndrome (AT). Also called: Ataxia telangiectasia (A-T); LOUIS-BAR SYNDROME; Ataxia-telangiectasia; Cerebello-oculocutaneous telangiectasia; Immunodeficiency with ataxia telangiectasia; Ataxia-telangiectasia, complementation group D. Identifiers: Orphanet 100, MedGen C0004135, MONDO:0008840, OMIM 208900.

Allele frequency attached by ClinVar (database versions not stated): TOPMed 0.00010; gnomAD 0.00013; ESP Exome Variant Server 0.00023; 1000 Genomes Project 0.00040; 1000 Genomes Project 30x 0.00047.
gnomAD v4.1: 32 of 1,614,024 alleles (0.002%); highest among the groups gnomAD compares: African/African-American, 0.037%; no homozygotes.

Submissions (16):

St. Jude Molecular Pathology, St. Jude Children's Research Hospital
Classification: Uncertain significance for Ataxia-telangiectasia syndrome. Last evaluated: 2026-10-01. Review status: criteria provided, single submitter. Criteria: St. Jude Assertion Criteria 2020. Collection method: clinical testing. Allele origin: germline.
Comment: The ATM c.2606C>G p.(Ala869Gly) missense change has a maximum subpopulation frequency of 0.05% in gnomAD v2.1.1. The in silico tool REVEL predicts a benign effect on protein function, but to our knowledge this prediction has not been confirmed by functional studies. To our knowledge, this variant has not been reported in individua ls with ataxia telangiectasia. In summary, the evidence currently available is insufficient to determine the clinical significance of this variant. It has therefore been classified as of uncertain significance.

Women's Health and Genetics/Laboratory Corporation of America, LabCorp
Classification: Uncertain significance. Last evaluated: 2026-05-18. Review status: criteria provided, single submitter. Criteria: LabCorp Variant Classification Summary - May 2015. Collection method: clinical testing. Allele origin: germline.
Comment: Variant summary: ATM c.2606C>G (p.Ala869Gly) results in a non-conservative amino acid change in the encoded protein sequence. Algorithms developed to predict the effect of missense changes on protein structure and function are either unavailable or do not agree on the potential impact of this missense change. The variant allele was found at a frequency of 4.8e-05 in 251432 control chromosomes. This frequency is not significantly higher than estimated for disease-causing variants in ATM, allowing no conclusion about variant significance. c.2606C>G has been observed in individual(s) affected with pancreatic cancer, without strong evidence for causality (Chaffee_2018). These report(s) do not provide unequivocal conclusions about association of the variant with disease. To our knowledge, no experimental evidence demonstrating an impact on protein function has been reported. ClinVar contains an entry for this variant (Variation ID: 184982). Based on the evidence outlined above, the variant was classified as uncertain significance.

Center for Genomic Medicine, Rigshospitalet, Copenhagen University Hospital
Classification: Uncertain significance. Last evaluated: 2025-12-29. Review status: criteria provided, single submitter. Criteria: ACMG Guidelines, 2015. Collection method: clinical testing. Allele origin: germline.

Molecular Diagnostics Laboratory, Catalan Institute of Oncology
Classification: Uncertain significance for Hereditary cancer-predisposing syndrome. Last evaluated: 2025-03-26. Review status: criteria provided, single submitter. Criteria: ClinGen ACMG Specifications ATM V1.1.0. Collection method: clinical testing. Allele origin: germline.
Comment: BP4 c.2606C>G located in exon 17 of the ATM gene, is predicted to result in the substitution of alanine by glycine at codon 869, p.(Ala869Gly).This variant is found in 12/23608 at a filtered allele frequency of 0.029% of 0.0007% in the gnomAD v2.1.1 database (African non-cancer data set). The SpliceAI algorithm predicts no significant impact on splicing and the REVEL meta-predictor score for this variant (0115) suggests that it does not affect the protein function (BP4). To our knowledge, functional studies have not been reported for this variant. In addition, the variant was also identified in the ClinVar database (9x uncertain significance, 3x likely benign) and in LOVD database (1x not classified). Based on currently available information, the variant c.2606C>G is classified as an uncertain significance variant according to ClinGen-ATM Guidelines version v1.1.

Labcorp Genetics (formerly Invitae), Labcorp
Classification: Uncertain significance for Ataxia-telangiectasia syndrome. Last evaluated: 2025-01-30. Review status: criteria provided, single submitter. Criteria: Invitae Variant Classification Sherloc (09022015). Collection method: clinical testing. Allele origin: germline.
Comment: This sequence change replaces alanine, which is neutral and non-polar, with glycine, which is neutral and non-polar, at codon 869 of the ATM protein (p.Ala869Gly). This variant is present in population databases (rs145513717, gnomAD 0.05%). This missense change has been observed in individual(s) with pancreatic cancer (PMID: 28726808). ClinVar contains an entry for this variant (Variation ID: 184982). Invitae Evidence Modeling of protein sequence and biophysical properties (such as structural, functional, and spatial information, amino acid conservation, physicochemical variation, residue mobility, and thermodynamic stability) indicates that this missense variant is not expected to disrupt ATM protein function with a negative predictive value of 95%. In summary, the available evidence is currently insufficient to determine the role of this variant in disease. Therefore, it has been classified as a Variant of Uncertain Significance.

Ambry Genetics
Classification: Likely benign for Hereditary cancer-predisposing syndrome. Last evaluated: 2025-01-14. Review status: criteria provided, single submitter. Criteria: Ambry Variant Classification Scheme 2023. Collection method: clinical testing. Allele origin: germline.

GeneDx
Classification: Uncertain significance. Last evaluated: 2024-12-12. Review status: criteria provided, single submitter. Criteria: GeneDx Variant Classification Process June 2021. Collection method: clinical testing. Allele origin: germline. Affected: yes.
Comment: In silico analysis indicates that this missense variant does not alter protein structure/function; This variant is associated with the following publications: (PMID: 28726808, 35585550)

Quest Diagnostics Nichols Institute San Juan Capistrano
Classification: Uncertain significance. Last evaluated: 2024-09-29. Review status: criteria provided, single submitter. Criteria: Quest Diagnostics criteria. Collection method: clinical testing. Allele origin: unknown.
Comment: The ATM c.2606C>G (p.Ala869Gly) variant has been reported in the published literature in individuals with breast cancer (PMID: 33471991 (2021), see also LOVD) and pancreatic cancer (PMID: 28726808 (2018)). The frequency of this variant in the general population, 0.00048 (12/24962 chromosomes in African/African American subpopulation (Genome Aggregation Database)), is higher than would generally be expected for pathogenic variants in this gene. Analysis of this variant using bioinformatics tools for the prediction of the effect of amino acid changes on protein structure and function yielded predictions that this variant is benign. Based on the available information, we are unable to determine the clinical significance of this variant.

Color Diagnostics, LLC DBA Color Health
Classification: Likely benign for Hereditary cancer-predisposing syndrome. Last evaluated: 2024-09-19. Review status: criteria provided, single submitter. Criteria: ACMG Guidelines, 2015. Collection method: clinical testing. Allele origin: germline.

Myriad Genetics, Inc.
Classification: Likely benign for Familial cancer of breast. Last evaluated: 2024-05-09. Review status: criteria provided, single submitter. Criteria: Myriad Autosomal Dominant, Autosomal Recessive and X-Linked Classification Criteria (2023). Collection method: clinical testing. Allele origin: unknown.
Comment: This variant is considered likely benign. This variant is strongly associated with less severe personal and family histories of cancer, typical for individuals without pathogenic variants in this gene [PMID: 25085752].

Baylor Genetics
Classification: Uncertain significance for Familial cancer of breast. Last evaluated: 2024-03-29. Review status: criteria provided, single submitter. Criteria: ACMG Guidelines, 2015. Collection method: clinical testing. Allele origin: unknown.

Blueprint Genetics
Classification: Likely benign. Last evaluated: 2024-01-22. Review status: criteria provided, single submitter. Criteria: ACMG Guidelines, 2015. Collection method: clinical testing. Allele origin: germline.

Athena Diagnostics
Classification: Uncertain significance. Last evaluated: 2024-01-11. Review status: criteria provided, single submitter. Criteria: Athena Diagnostics Criteria. Collection method: clinical testing. Allele origin: unknown.
Comment: Available data are insufficient to determine the clinical significance of the variant at this time. The frequency of this variant in the general population is higher than would generally be expected for pathogenic variants in this gene. Computational tools predict that this variant is not damaging.

National Health Laboratory Service, Universitas Academic Hospital and University of the Free State
Classification: Likely benign for Hereditary breast ovarian cancer syndrome. Last evaluated: 2022-04-19. Review status: criteria provided, single submitter. Criteria: ACMG Guidelines, 2015. Collection method: clinical testing. Allele origin: germline. Affected: yes. Observed: 1 variant allele.

Mendelics
Classification: Uncertain significance for Ataxia-telangiectasia syndrome. Last evaluated: 2018-07-02. Review status: criteria provided, single submitter. Criteria: Mendelics Assertion Criteria 2017. Collection method: clinical testing. Allele origin: unknown.

Natera, Inc.
Classification: Uncertain significance for Ataxia-telangiectasia. Last evaluated: 2020-03-06. Review status: no assertion criteria provided. Collection method: clinical testing. Allele origin: germline. Not counted in ClinVar's aggregate classification.

Literature cited by the submitters: PubMed 28726808 (cited by 5 submitters); PubMed 32720237 (cited by Quest Diagnostics Nichols Institute San Juan Capistrano and Athena Diagnostics); PubMed 33471991 (cited by Quest Diagnostics Nichols Institute San Juan Capistrano and Athena Diagnostics); PubMed 25085752 (cited by Myriad Genetics, Inc.).